The following is an entry in ClinVar:

ClinVar aggregate classification (germline): Benign (1 of 4 stars; one submission).

Conditions:
Holoprosencephaly sequence (HPE). Also called: Holoprosencephaly. Identifiers: Orphanet 2162, MedGen C0079541, MONDO:0016296, HP:0001360.

Allele frequency attached by ClinVar (database versions not stated): gnomAD exomes 0.00024 and 0.00072; ESP Exome Variant Server 0.00091; gnomAD 0.00247 and 0.00258; TOPMed 0.00287; 1000 Genomes Project 0.00319; 1000 Genomes Project 30x 0.00375; ExAC 0.00375.
gnomAD v4.1: 688 of 1,371,540 alleles (0.05%); highest among the groups gnomAD compares: African/African-American, 0.91%; 4 homozygotes.

Submission:

Illumina Laboratory Services, Illumina
Classification: Benign for Holoprosencephaly sequence. Last evaluated: 2018-01-12. Review status: criteria provided, single submitter. Criteria: ICSL Variant Classification Criteria 13 December 2019. Collection method: clinical testing. Allele origin: germline.
Comment: This variant was observed in the ICSL laboratory as part of a predisposition screen in an ostensibly healthy population. It had not been previously curated by ICSL or reported in the Human Gene Mutation Database (HGMD: prior to June 1st, 2018), and was therefore a candidate for classification through an automated scoring system. Utilizing variant allele frequency, disease prevalence and penetrance estimates, and inheritance mode, an automated score was calculated to assess if this variant is too frequent to cause the disease. Based on the score and internal cut-off values, a variant classified as benign is not then subjected to further curation. The score for this variant resulted in a classification of benign for this disease.

NM_003923.3(FOXH1):c.-27C>A

Gene: FOXH1 (forkhead box H1; minus strand). Cytogenetic location: 8q24.3.
Variant type: single nucleotide variant.
Coding change: c.-27C>A on transcript NM_003923.3 (MANE Select); 27 bases upstream of the start codon, C replaced by A.
Molecular consequence: 5 prime UTR variant.
Genome position (GRCh38, 1-based): chr8:144,475,783, G>T on the plus strand (C>A on the coding strand, the complement: FOXH1 is on the minus strand). VCF-style: chr8-144475783-G-T. GRCh37 (hg19) VCF-style: chr8-145701166-G-T.
Identifiers: ClinVar variation 910939 (VCV000910939.4), dbSNP rs377382539, ClinGen allele CA4945696.